The following is an entry in ClinVar:

NM_006516.4(SLC2A1):c.457C>T (p.Arg153Cys)

Gene: SLC2A1 (solute carrier family 2 member 1; minus strand). Cytogenetic location: 1p34.2.
Variant type: single nucleotide variant.
Coding change: c.457C>T on transcript NM_006516.4 (MANE Select); coding-DNA position 457, C replaced by T.
Protein change: p.Arg153Cys; replaces arginine 153 with cysteine.
Molecular consequence: missense variant.
Genome position (GRCh38, 1-based): chr1:42,930,685, G>A on the plus strand (C>T on the coding strand, the complement: SLC2A1 is on the minus strand). VCF-style: chr1-42930685-G-A. GRCh37 (hg19) VCF-style: chr1-43396356-G-A.
Other names: short protein forms R153C.
Identifiers: ClinVar variation 1076377 (VCV001076377.11), dbSNP rs1643479461, ClinGen allele CA339960556.
Genomic context (GRCh38, chr1:42,930,685, plus strand): 5'-CCTGGGCGATGAGGATGCCGACGACGATGCCCAGCTGGTGCAGGGTGCCCAGGGCCCCAC[G>A]AAGGGCTGTGGGTGACACTTCACCCACATACATGGGCACGAAGCCTGTGGTCAGGCCGCA-3'
Protein context (NP_006507.2, residues 143-163): YVGEVSPTAL[Arg153Cys]GALGTLHQLG

ClinVar aggregate classification (germline): Pathogenic. Review status: criteria provided, multiple submitters, no conflicts (2 of 4 stars). 3 submissions from 3 submitters: Pathogenic (3). Last evaluated 2024-11-13.

Conditions:
SLC2A1-related disorder. Also called: SLC2A1-related condition; SLC2A1-related disorders.
GLUT1 deficiency syndrome 1, autosomal recessive. Identifiers: MedGen C3149117.
Childhood onset GLUT1 deficiency syndrome 2. Also called: PAROXYSMAL EXERCISE-INDUCED DYSKINESIA WITH OR WITHOUT EPILEPSY AND/OR HEMOLYTIC ANEMIA; PAROXYSMAL EXERTION-INDUCED DYSTONIA WITH OR WITHOUT EPILEPSY AND/OR HEMOLYTIC ANEMIA; PED WITH OR WITHOUT EPILEPSY AND/OR HEMOLYTIC ANEMIA; Paroxysmal exercise-induced dystonia; Exertion-induced paroxysmal dyskinesia; PxMD-SLC2A1. Identifiers: Orphanet 98811, MedGen C1842534, MONDO:0012805, OMIM 612126.

Allele frequency attached by ClinVar (database versions not stated): gnomAD 0.00001.
gnomAD v4.1: 1 of 1,613,226 alleles (0.000062%); no homozygotes.

Submissions (3):

Labcorp Genetics (formerly Invitae), Labcorp
Classification: Pathogenic for GLUT1 deficiency syndrome 1, autosomal recessive. Last evaluated: 2024-11-13. Review status: criteria provided, single submitter. Criteria: Invitae Variant Classification Sherloc (09022015). Collection method: clinical testing. Allele origin: germline.
Comment: This sequence change replaces arginine, which is basic and polar, with cysteine, which is neutral and slightly polar, at codon 153 of the SLC2A1 protein (p.Arg153Cys). This variant is not present in population databases (gnomAD no frequency). This missense change has been observed in individual(s) with GLUT1-deficiency syndrome (PMID: 12325075, 23020937, 23106342, 25564316, 28556183, 29655203, 31487502). ClinVar contains an entry for this variant (Variation ID: 1076377). Invitae Evidence Modeling of protein sequence and biophysical properties (such as structural, functional, and spatial information, amino acid conservation, physicochemical variation, residue mobility, and thermodynamic stability) indicates that this missense variant is expected to disrupt SLC2A1 protein function with a positive predictive value of 95%. This variant disrupts the p.Arg153 amino acid residue in SLC2A1. Other variant(s) that disrupt this residue have been determined to be pathogenic (PMID: 20129935, 26193382, 26267703). This suggests that this residue is clinically significant, and that variants that disrupt this residue are likely to be disease-causing. For these reasons, this variant has been classified as Pathogenic.

3billion
Classification: Pathogenic for Childhood onset GLUT1 deficiency syndrome 2. Last evaluated: 2024-10-09. Review status: criteria provided, single submitter. Criteria: ACMG Guidelines, 2015. Collection method: clinical testing. Allele origin: germline. Affected: yes.
Comment: The variant is observed at an extremely low frequency in the gnomAD v4.1.0 dataset (total allele frequency: <0.001%). Predicted Consequence/Location: Missense variant In silico tool predictions suggest damaging effect of the variant on gene or gene product [REVEL: 0.88 (>=0.6, sensitivity 0.68 and specificity 0.92); 3Cnet: 0.96 (>=0.6, sensitivity 0.72 and precision 0.9)]. The same nucleotide change resulting in the same amino acid change has been previously reported to be associated with SLC2A1 related disorder (ClinVar ID: VCV001076377 /PMID: 12325075).The variant has been observed in multiple (>3) similarly affected unrelated individuals (PMID: 12325075, 23020937, 23106342, 25564316, 28556183, 29655203, 31487502). The variant has been previously reported as assumed (i.e. paternity and maternity not confirmed) de novo in at least two similarly affected unrelated individuals (PMID: 23106342, 31487502). Different missense changes at the same codon (p.Arg153His, p.Arg153Leu, p.Arg153Pro, p.Arg153Ser) have been reported as pathogenic/likely pathogenic with strong evidence (ClinVar ID: VCV000197281, VCV000207227, VCV000453131, VCV002815351 /PMID: 17718830, 20129935, 31737037). Therefore, this variant is classified as Pathogenic according to the recommendation of ACMG/AMP guideline.

Blueprint Genetics
Classification: Pathogenic for SLC2A1-related disorders. Last evaluated: 2022-12-05. Review status: criteria provided, single submitter. Criteria: ACMG Guidelines, 2015. Collection method: clinical testing. Allele origin: germline. Affected: yes. Observed: 3 variant alleles.

Literature cited by the submitters: PubMed 12325075 (cited by Labcorp Genetics (formerly Invitae), Labcorp and 3billion); PubMed 23020937 (cited by Labcorp Genetics (formerly Invitae), Labcorp and 3billion); PubMed 23106342 (cited by Labcorp Genetics (formerly Invitae), Labcorp and 3billion); PubMed 25564316 (cited by Labcorp Genetics (formerly Invitae), Labcorp and 3billion); PubMed 28556183 (cited by Labcorp Genetics (formerly Invitae), Labcorp and 3billion); PubMed 29655203 (cited by Labcorp Genetics (formerly Invitae), Labcorp and 3billion); PubMed 31487502 (cited by Labcorp Genetics (formerly Invitae), Labcorp and 3billion); PubMed 20129935 (cited by Labcorp Genetics (formerly Invitae), Labcorp); PubMed 26193382 (cited by Labcorp Genetics (formerly Invitae), Labcorp); PubMed 26267703 (cited by Labcorp Genetics (formerly Invitae), Labcorp); PubMed 17718830 (cited by 3billion).